The following is an entry in ClinVar:

NM_001160372.4(TRAPPC9):c.1809G>A (p.Leu603=)

Gene: TRAPPC9 (trafficking protein particle complex subunit 9; minus strand). Cytogenetic location: 8q24.3.
Variant type: single nucleotide variant.
Coding change: c.1809G>A on transcript NM_001160372.4 (MANE Select); coding-DNA position 1809, G replaced by A.
Protein change: p.Leu603=; no amino-acid change (leucine 603 retained).
Molecular consequence: synonymous variant. On other transcripts: non-coding transcript variant (1).
Genome position (GRCh38, 1-based): chr8:140,291,038, C>T on the plus strand (G>A on the coding strand, the complement: TRAPPC9 is on the minus strand). VCF-style: chr8-140291038-C-T. GRCh37 (hg19) VCF-style: chr8-141301137-C-T.
Other names: c.1782G>A, p.Leu594= (NM_001321646.2); c.1830G>A, p.Leu610= (NM_001374682.1); c.1809G>A, p.Leu603= (NM_001374683.1, NM_031466.8); c.1665G>A, p.Leu555= (NM_001374684.1).
Identifiers: ClinVar variation 130615 (VCV000130615.46), dbSNP rs146235874, ClinGen allele CA231560.

ClinVar aggregate classification (germline): Conflicting classifications of pathogenicity. Review status: criteria provided, conflicting classifications (1 of 4 stars). 6 submissions from 6 submitters: Uncertain significance (1); Benign (1); Likely benign (3). 1 of the submissions does not count toward it. Last evaluated 2026-04-01.

Conditions:
TRAPPC9-related disorder. Also called: TRAPPC9-related condition.
Inborn genetic diseases. Identifiers: MedGen C0950123, MeSH D030342.

Allele frequency attached by ClinVar (database versions not stated): ESP Exome Variant Server 0.00008; gnomAD 0.00029 and 0.00045; gnomAD exomes 0.00039 and 0.00098; TOPMed 0.00088; ExAC 0.00099; 1000 Genomes Project 30x 0.00187; 1000 Genomes Project 0.00220.
gnomAD v4.1: 642 of 1,614,244 alleles (0.04%); highest among the groups gnomAD compares: East Asian, 1.3%; 5 homozygotes.

Submissions (6):

CeGaT Center for Human Genetics Tuebingen
Classification: Likely benign. Last evaluated: 2026-04-01. Review status: criteria provided, single submitter. Criteria: CeGaT Center For Human Genetics Tuebingen Variant Classification Criteria Version 2. Collection method: clinical testing. Allele origin: germline. Affected: yes. Observed: 2 variant alleles.
Comment: TRAPPC9: BP4, BS1

Labcorp Genetics (formerly Invitae), Labcorp
Classification: Benign. Last evaluated: 2026-01-15. Review status: criteria provided, single submitter. Criteria: Invitae Variant Classification Sherloc (09022015). Collection method: clinical testing. Allele origin: germline.

GeneDx
Classification: Likely benign. Last evaluated: 2020-09-11. Review status: criteria provided, single submitter. Criteria: GeneDx Variant Classification Process June 2021. Collection method: clinical testing. Allele origin: germline. Affected: yes.

Ambry Genetics
Classification: Likely benign for Inborn genetic diseases. Last evaluated: 2017-06-14. Review status: criteria provided, single submitter. Criteria: Ambry Variant Classification Scheme 2023. Collection method: clinical testing. Allele origin: germline.

Genetic Services Laboratory, University of Chicago
Classification: Uncertain significance. Last evaluated: 2013-06-12. Review status: criteria provided, single submitter. Criteria: ACMG Guidelines, 2007. Collection method: clinical testing. Allele origin: germline. Inheritance: Autosomal recessive inheritance.

PreventionGenetics, part of Exact Sciences
Classification: Likely benign for TRAPPC9-related condition. Last evaluated: 2019-10-22. Review status: no assertion criteria provided. Collection method: clinical testing. Allele origin: germline. Not counted in ClinVar's aggregate classification.
Comment: This variant is classified as likely benign based on ACMG/AMP sequence variant interpretation guidelines (Richards et al. 2015 PMID: 25741868, with internal and published modifications).